The following is an entry in ClinVar:

NM_006757.4(TNNT3):c.547C>T (p.Arg183Cys)

Gene: TNNT3 (troponin T3, fast skeletal type; plus strand). Cytogenetic location: 11p15.5.
Variant type: single nucleotide variant.
Coding change: c.547C>T on transcript NM_006757.4 (MANE Select); coding-DNA position 547, C replaced by T.
Protein change: p.Arg183Cys; replaces arginine 183 with cysteine.
Molecular consequence: missense variant.
Genome position (GRCh38, 1-based): chr11:1,934,612, C>T. VCF-style: chr11-1934612-C-T. GRCh37 (hg19) VCF-style: chr11-1955842-C-T.
Other names: c.523C>T, p.Arg175Cys (NM_001042780.3, NM_001042782.3, NM_001297646.2 and 2 more transcripts); c.541C>T, p.Arg181Cys (NM_001042781.3, NM_001367842.1, NM_001367843.1); c.556C>T, p.Arg186Cys (NM_001363561.2, NM_001367847.1); c.580C>T, p.Arg194Cys (NM_001367846.1); c.544C>T, p.Arg182Cys (NM_001367848.1); c.535C>T, p.Arg179Cys (NM_001367849.1); c.490C>T, p.Arg164Cys (NM_001367850.1); c.343C>T, p.Arg115Cys (NM_001367851.1, NM_001367852.1); short protein forms R164C, R115C, R175C, R181C, R183C, R179C, R182C, R186C.
Identifiers: ClinVar variation 2331306 (VCV002331306.6), dbSNP rs750218802, ClinGen allele CA5816524.

ClinVar aggregate classification (germline): Uncertain significance. Review status: criteria provided, multiple submitters, no conflicts (2 of 4 stars). 2 submissions from 2 submitters: Uncertain significance (2). Last evaluated 2025-11-20.

Conditions:
Inborn genetic diseases. Identifiers: MedGen C0950123, MeSH D030342.

Allele frequency attached by ClinVar (database versions not stated): gnomAD 0.00001; gnomAD exomes 0.00002; TOPMed 0.00002; ExAC 0.00004.
gnomAD v4.1: 27 of 1,608,840 alleles (0.0017%); highest among the groups gnomAD compares: South Asian, 0.012%; no homozygotes.

Submissions (2):

Ambry Genetics
Classification: Uncertain significance for Inborn genetic diseases. Last evaluated: 2025-11-20. Review status: criteria provided, single submitter. Criteria: Ambry Variant Classification Scheme 2023. Collection method: clinical testing. Allele origin: germline.

Labcorp Genetics (formerly Invitae), Labcorp
Classification: Uncertain significance. Last evaluated: 2025-01-24. Review status: criteria provided, single submitter. Criteria: Invitae Variant Classification Sherloc (09022015). Collection method: clinical testing. Allele origin: germline.
Comment: This sequence change replaces arginine, which is basic and polar, with cysteine, which is neutral and slightly polar, at codon 183 of the TNNT3 protein (p.Arg183Cys). This variant is present in population databases (rs750218802, gnomAD 0.02%). This variant has not been reported in the literature in individuals affected with TNNT3-related conditions. ClinVar contains an entry for this variant (Variation ID: 2331306). An algorithm developed to predict the effect of missense changes on protein structure and function (PolyPhen-2) suggests that this variant is likely to be tolerated. In summary, the available evidence is currently insufficient to determine the role of this variant in disease. Therefore, it has been classified as a Variant of Uncertain Significance.